The following is an entry in ClinVar:

ClinVar aggregate classification (germline): Likely benign (0 of 4 stars; one submission).

Conditions:
PLXNA2-related disorder. Also called: PLXNA2-related condition.

Allele frequency attached by ClinVar (database versions not stated): gnomAD exomes 0.00003; ExAC 0.00005; ESP Exome Variant Server 0.00015; gnomAD 0.00015; TOPMed 0.00016; 1000 Genomes Project 0.00060; 1000 Genomes Project 30x 0.00062.
gnomAD v4.1: 67 of 1,614,170 alleles (0.0042%); highest among the groups gnomAD compares: African/African-American, 0.059%; no homozygotes.

Submission:

PreventionGenetics, part of Exact Sciences
Classification: Likely benign for PLXNA2-related condition. Last evaluated: 2022-01-21. Review status: no assertion criteria provided. Collection method: clinical testing. Allele origin: germline.
Comment: This variant is classified as likely benign based on ACMG/AMP sequence variant interpretation guidelines (Richards et al. 2015 PMID: 25741868, with internal and published modifications).

NM_025179.4(PLXNA2):c.3960C>T (p.Tyr1320=)

Gene: PLXNA2 (plexin A2; minus strand). Cytogenetic location: 1q32.2.
Variant type: single nucleotide variant.
Coding change: c.3960C>T on transcript NM_025179.4 (MANE Select); coding-DNA position 3960, C replaced by T.
Protein change: p.Tyr1320=; no amino-acid change (tyrosine 1320 retained).
Molecular consequence: synonymous variant.
Genome position (GRCh38, 1-based): chr1:208,043,118, G>A on the plus strand (C>T on the coding strand, the complement: PLXNA2 is on the minus strand). VCF-style: chr1-208043118-G-A. GRCh37 (hg19) VCF-style: chr1-208216463-G-A.
Identifiers: ClinVar variation 3054561 (VCV003054561.2), dbSNP rs143549470, ClinGen allele CA1373025.